The following is an entry in ClinVar:

ClinVar aggregate classification (germline): Benign/Likely benign. Review status: criteria provided, multiple submitters, no conflicts (2 of 4 stars). 3 submissions from 3 submitters: Benign (1); Likely benign (2). Last evaluated 2018-04-26.

Allele frequency attached by ClinVar (database versions not stated): gnomAD exomes 0.00078 and 0.00139; ExAC 0.00355; ESP Exome Variant Server 0.00564; gnomAD 0.00565 and 0.00594; TOPMed 0.00643; 1000 Genomes Project 0.00899; 1000 Genomes Project 30x 0.00937.
gnomAD v4.1: 2,028 of 1,571,296 alleles (0.13%); highest among the groups gnomAD compares: African/African-American, 1.8%; 25 homozygotes.

Submissions (3):

Labcorp Genetics (formerly Invitae), Labcorp
Classification: Benign. Last evaluated: 2018-04-26. Review status: criteria provided, single submitter. Criteria: Invitae Variant Classification Sherloc (09022015). Collection method: clinical testing. Allele origin: germline.

GeneDx
Classification: Likely benign. Last evaluated: 2018-02-18. Review status: criteria provided, single submitter. Criteria: GeneDx Variant Classification (06012015). Collection method: clinical testing. Allele origin: germline. Affected: yes.
Comment: This variant is considered likely benign or benign based on one or more of the following criteria: it is a conservative change, it occurs at a poorly conserved position in the protein, it is predicted to be benign by multiple in silico algorithms, and/or has population frequency not consistent with disease.

Breakthrough Genomics
Classification: Likely benign. Review status: criteria provided, single submitter. Criteria: ACMG Guidelines, 2015. Collection method: not provided. Allele origin: germline. Inheritance: Unknown mechanism. Affected: yes.

NM_030770.4(TMPRSS5):c.1158C>T (p.Pro386=)

Genes: TMPRSS5 (transmembrane serine protease 5; minus strand), LOC126861343 (MED14-independent group 3 enhancer GRCh37_chr11:113560791-113561990; plus strand). Cytogenetic location: 11q23.2.
Variant type: single nucleotide variant.
Coding change: c.1158C>T on transcript NM_030770.4 (MANE Select); coding-DNA position 1158, C replaced by T.
Protein change: p.Pro386=; no amino-acid change (proline 386 retained).
Molecular consequence: synonymous variant. On other transcripts: non-coding transcript variant (2).
Genome position (GRCh38, 1-based): chr11:113,690,279, G>A on the plus strand (C>T on the coding strand, the complement: TMPRSS5 is on the minus strand). VCF-style: chr11-113690279-G-A. GRCh37 (hg19) VCF-style: chr11-113561001-G-A.
Other names: c.819C>T, p.Pro273= (NM_001288749.2); c.1026C>T, p.Pro342= (NM_001288750.2); c.1131C>T, p.Pro377= (NM_001288751.2); c.951C>T, p.Pro317= (NM_001288752.2).
Identifiers: ClinVar variation 508635 (VCV000508635.5), dbSNP rs79480579, ClinGen allele CA6281611.